The following is an entry in ClinVar:

ClinVar aggregate classification (germline): Uncertain significance (1 of 4 stars; one submission).

Conditions:
Cardiovascular phenotype. Identifiers: MedGen CN230736.

Submission:

Ambry Genetics
Classification: Uncertain significance for Cardiovascular phenotype. Last evaluated: 2025-10-15. Review status: criteria provided, single submitter. Criteria: Ambry Variant Classification Scheme 2023. Collection method: clinical testing. Allele origin: germline.
Comment: The p.E238K variant (also known as c.712G>A), located in coding exon 4 of the ALMS1 gene, results from a G to A substitution at nucleotide position 712. The glutamic acid at codon 238 is replaced by lysine, an amino acid with similar properties. This amino acid position is well conserved in available vertebrate species. In addition, the in silico prediction for this alteration is inconclusive. Based on the available evidence, the clinical significance of this variant remains unclear.

NM_001378454.1(ALMS1):c.709G>A (p.Glu237Lys)

Gene: ALMS1 (ALMS1 centrosome and basal body associated protein; plus strand). Cytogenetic location: 2p13.1.
Variant type: single nucleotide variant.
Coding change: c.709G>A on transcript NM_001378454.1 (MANE Select); coding-DNA position 709, G replaced by A.
Protein change: p.Glu237Lys; replaces glutamic acid 237 with lysine.
Molecular consequence: missense variant.
Genome position (GRCh38, 1-based): chr2:73,422,919, G>A. VCF-style: chr2-73422919-G-A. GRCh37 (hg19) VCF-style: chr2-73650047-G-A.
Other names: c.712G>A, p.Glu238Lys (NM_015120.4); short protein forms E238K, E237K.
Identifiers: ClinVar variation 4613467 (VCV004613467.1).